The following is an entry in ClinVar:

NM_014845.6(FIG4):c.1420A>G (p.Thr474Ala)

Gene: FIG4 (FIG4 phosphoinositide 5-phosphatase; plus strand). Cytogenetic location: 6q21.
Variant type: single nucleotide variant.
Coding change: c.1420A>G on transcript NM_014845.6 (MANE Select); coding-DNA position 1420, A replaced by G.
Protein change: p.Thr474Ala; replaces threonine 474 with alanine.
Molecular consequence: missense variant.
Genome position (GRCh38, 1-based): chr6:109,763,968, A>G. VCF-style: chr6-109763968-A-G. GRCh37 (hg19) VCF-style: chr6-110085171-A-G.
Other names: short protein forms T474A.
Identifiers: ClinVar variation 1772244 (VCV001772244.2), dbSNP rs779588326, ClinGen allele CA365226809.

ClinVar aggregate classification (germline): Uncertain significance (1 of 4 stars; one submission).

Conditions:
Inborn genetic diseases. Identifiers: MedGen C0950123, MeSH D030342.

gnomAD v4.1: 3 of 1,609,404 alleles (0.00019%); highest among the groups gnomAD compares: Admixed American, 0.0033%; no homozygotes.

Submission:

Ambry Genetics
Classification: Uncertain significance for Inborn genetic diseases. Last evaluated: 2022-07-16. Review status: criteria provided, single submitter. Criteria: Ambry Variant Classification Scheme 2023. Collection method: clinical testing. Allele origin: germline.
Comment: The p.T474A variant (also known as c.1420A>G), located in coding exon 13 of the FIG4 gene, results from an A to G substitution at nucleotide position 1420. The threonine at codon 474 is replaced by alanine, an amino acid with similar properties. This amino acid position is conserved. In addition, this alteration is predicted to be tolerated by in silico analysis. Since supporting evidence is limited at this time, the clinical significance of this alteration remains unclear.